The following is an entry in ClinVar:

ClinVar aggregate classification (germline): Uncertain significance (1 of 4 stars; one submission).

Allele frequency attached by ClinVar (database versions not stated): TOPMed below 0.00001; gnomAD 0.00001; gnomAD exomes 0.00002; ExAC 0.00003.
gnomAD v4.1: 18 of 1,612,956 alleles (0.0011%); highest among the groups gnomAD compares: Non-Finnish European, 0.00085%; no homozygotes.

Submission:

Ambry Genetics
Classification: Uncertain significance. Last evaluated: 2025-04-12. Review status: criteria provided, single submitter. Criteria: Ambry Variant Classification Scheme 2023. Collection method: clinical testing. Allele origin: germline.
Comment: The p.K69R variant (also known as c.206A>G), located in coding exon 3 of the RINT1 gene, results from an A to G substitution at nucleotide position 206. The lysine at codon 69 is replaced by arginine, an amino acid with highly similar properties. This amino acid position is conserved. In addition, this alteration is predicted to be tolerated by in silico analysis. Since supporting evidence is limited at this time, the clinical significance of this alteration remains unclear.

NM_021930.6(RINT1):c.206A>G (p.Lys69Arg)

Gene: RINT1 (RAD50 interactor 1; plus strand). Cytogenetic location: 7q22.3.
Variant type: single nucleotide variant.
Coding change: c.206A>G on transcript NM_021930.6 (MANE Select); coding-DNA position 206, A replaced by G.
Protein change: p.Lys69Arg; replaces lysine 69 with arginine.
Molecular consequence: missense variant. On other transcripts: 5 prime UTR variant (3), non-coding transcript variant (1), intron variant (1).
Genome position (GRCh38, 1-based): chr7:105,536,682, A>G. VCF-style: chr7-105536682-A-G. GRCh37 (hg19) VCF-style: chr7-105177129-A-G.
Other names: c.-814A>G (NM_001346600.2); c.-717A>G (NM_001346601.2); c.-337A>G (NM_001346603.2); c.39+70A>G (NM_001346599.2); short protein forms K69R.
Identifiers: ClinVar variation 2397780 (VCV002397780.3), dbSNP rs748605930, ClinGen allele CA4426366.
Genomic context (GRCh38, chr7:105,536,682, plus strand): 5'-ATGGTGATCTCCCTTCTTATGTGTCTGCATTCATAGAAAAGGAAGTTGGAAATGACCTTA[A>G]ATCTTTAAAGAAACTTGATAAACTCATAGAACAGAGGACAGTAAGTAAAATGCAGTTAGA-3'
Protein context (NP_068749.3, residues 59-79): FIEKEVGNDL[Lys69Arg]SLKKLDKLIE